The following is an entry in ClinVar:

NM_000059.4(BRCA2):c.9649-6dup

Gene: BRCA2 (BRCA2 DNA repair associated; plus strand). Cytogenetic location: 13q13.1.
Variant type: Duplication.
Coding change: c.9649-6dup on transcript NM_000059.4 (MANE Select); 6 bases into the intron before coding-DNA position 9649, one base duplicated (T; older notation c.9649-6dupT).
Molecular consequence: intron variant.
Genome position (GRCh38, 1-based): chr13:32,398,156, T duplicated; the last of 7 consecutive T bases (chr13:32,398,150-32,398,156); duplicating any one gives the same sequence. VCF-style (leftmost placement, unchanged base first): chr13-32398149-A-AT. GRCh37 (hg19) VCF-style: chr13-32972286-A-AT.
Other names: IVS26-6insT; c.9649-6dupT (NM_000059.3, NM_000059.4).
Identifiers: ClinVar variation 126216 (VCV000126216.24), dbSNP rs276174929, ClinGen allele CA026254.
Genomic context (GRCh38, chr13:32,398,149, plus strand): 5'-GAAAAGTTACTTTGATTTAGTTTTTTATGTTACTACATAATTATGATAGGCTACGTTTTC[A>AT]TTTTTTTATCAGATGTCTTCTCCTAATTGTGAGATATATTATCAAAGTCCTTTATCACTT-3'

ClinVar aggregate classification (germline): Conflicting classifications of pathogenicity. Review status: criteria provided, conflicting classifications (1 of 4 stars). 9 submissions from 9 submitters: Uncertain significance (1); Likely benign (6). 2 of the submissions do not count toward it. Last evaluated 2026-09-02.

Conditions:
BRCA2-related cancer predisposition. Identifiers: MedGen CN377758, MONDO:0700269.
BRCA2-related disorder. Also called: BRCA2-related condition; BRCA2-related disorders. Identifiers: MedGen CN239275.
Hereditary cancer-predisposing syndrome. Also called: Neoplastic Syndromes, Hereditary; Tumor predisposition; Hereditary Cancer Syndrome; Hereditary neoplastic syndrome. Identifiers: Orphanet 140162, MedGen C0027672, MeSH D009386, MONDO:0015356.
Hereditary breast ovarian cancer syndrome. Also called: BRCA1- and BRCA2-Associated Hereditary Breast and Ovarian Cancer; Hereditary breast and ovarian cancer; Hereditary breast and ovarian cancer syndrome; Hereditary breast and ovarian cancer syndrome (HBOC); Breast and ovarian cancer; Hereditary breast and/or ovarian cancer syndrome. Identifiers: Orphanet 145, MedGen C0677776, MeSH D061325, MONDO:0003582. Disease mechanism: loss of function.
Breast-ovarian cancer, familial, susceptibility to, 2 (BROVCA2). Also called: BRCA2 Hereditary Breast and Ovarian Cancer. Identifiers: Orphanet 145, MedGen C2675520, MONDO:0012933, OMIM 612555. Disease mechanism: loss of function.

Submissions (9):

PreventionGenetics, part of Exact Sciences
Classification: Likely benign for BRCA2-related condition. Last evaluated: 2026-09-02. Review status: criteria provided, single submitter. Criteria: ACMG Guidelines, 2015. Collection method: clinical testing. Allele origin: germline.
Comment: This variant is classified as likely benign based on ACMG/AMP sequence variant interpretation guidelines (Richards et al. 2015 PMID: 25741868, with internal and published modifications).

Labcorp Genetics (formerly Invitae), Labcorp
Classification: Likely benign for Hereditary breast ovarian cancer syndrome. Last evaluated: 2026-01-07. Review status: criteria provided, single submitter. Criteria: Invitae Variant Classification Sherloc (09022015). Collection method: clinical testing. Allele origin: germline.

Women's Health and Genetics/Laboratory Corporation of America, LabCorp
Classification: Likely benign. Last evaluated: 2024-10-14. Review status: criteria provided, single submitter. Criteria: LabCorp Variant Classification Summary - May 2015. Collection method: clinical testing. Allele origin: germline.
Comment: Variant summary: BRCA2 c.9649-6dupT alters a non-conserved nucleotide located close to a canonical splice site and therefore could affect mRNA splicing, leading to a significantly altered protein sequence. Consensus agreement among computation tools predict no significant impact on normal splicing. However, these predictions have yet to be confirmed by functional studies. The variant allele was found at a frequency of 3.3e-05 in 242742 control chromosomes. The available data on variant occurrences in the general population are insufficient to allow any conclusion about variant significance. c.9649-6dupT has been reported in the literature as a VUS in at-least one individual affected with breast cancer (example, Bhaskaran_2019). These report(s) do not provide unequivocal conclusions about association of the variant with Hereditary Breast And Ovarian Cancer Syndrome. To our knowledge, no experimental evidence demonstrating an impact on protein function has been reported. The following publication has been ascertained in the context of this evaluation (PMID: 30702160). ClinVar contains an entry for this variant (Variation ID: 126216). Based on the evidence outlined above, the variant was classified as likely benign.

All of Us Research Program, National Institutes of Health
Classification: Likely benign for BRCA2-related cancer predisposition. Last evaluated: 2024-08-13. Review status: criteria provided, single submitter. Criteria: ACMG Guidelines, 2015. Collection method: clinical testing. Allele origin: germline. Inheritance: Autosomal dominant inheritance. Observed: 2 variant alleles, 2 heterozygotes.
Comment: This study involves interpretation of variants in research participants for the purpose of population health screening. Participant phenotype was not available at the time of variant classification. Additional details can be found in publication PMID: 35346344, PMCID: PMC8962531

Institute for Clinical Genetics, University Hospital TU Dresden, University Hospital TU Dresden
Classification: Uncertain significance. Last evaluated: 2021-11-03. Review status: criteria provided, single submitter. Criteria: ACMG Guidelines, 2015. Collection method: clinical testing. Allele origin: germline.

GeneDx
Classification: Likely benign. Last evaluated: 2019-03-11. Review status: criteria provided, single submitter. Criteria: GeneDx Variant Classification Process June 2021. Collection method: clinical testing. Allele origin: germline. Affected: yes.
Comment: This variant is associated with the following publications: (PMID: 30702160)

Color Diagnostics, LLC DBA Color Health
Classification: Likely benign for Hereditary cancer-predisposing syndrome. Last evaluated: 2017-12-18. Review status: criteria provided, single submitter. Criteria: ACMG Guidelines, 2015. Collection method: clinical testing. Allele origin: germline.

Breast Cancer Information Core (BIC) (BRCA2)
Classification: Uncertain significance for Breast-ovarian cancer, familial 2. Last evaluated: 2001-10-29. Review status: no assertion criteria provided. Collection method: clinical testing. Allele origin: germline. Affected: yes. Observed: 1 variant allele. Not counted in ClinVar's aggregate classification.

Department of Pathology and Laboratory Medicine, Sinai Health System
Classification: Uncertain significance. Review status: no assertion criteria provided. Collection method: clinical testing. Allele origin: unknown. Affected: yes. Study: The Canadian Open Genetics Repository (COGR). Not counted in ClinVar's aggregate classification.
Comment: The BRCA2 c.9649-6dup variant was identified in 1 of 1652 proband chromosomes (frequency: 0.0006) from individuals or families with hereditary breast and ovarian cancer and was not identified in 2068 control chromosomes from healthy individuals (Bhaskaran 2019). The variant was identified in dbSNP (rs276174929) as â€šÃ„Ãºwith uncertain significance alleleâ€šÃ„Ã¹, ClinVar (classified as likely benign by Invitae, Color and GeneDx; and as uncertain significance by BIC), LOVD 3.0 (observed 2x) and UMD-LSDB (observed 2x). The variant was identified in control databases in 8 of 242,742 chromosomes at a frequency of 0.00003 (Genome Aggregation Database Feb 27, 2017). The variant was observed in the following populations: East Asian in 1 of 18,066 chromosomes (freq: 0.00006), Finnish in 1 of 19,514 chromosomes (freq: 0.00005), European in 4 of 111,372 chromosomes (freq: 0.00004), South Asian in 1 of 29,068 chromosomes (freq: 0.00003), and Latino in 1 of 33,502 chromosomes (freq: 0.00003); it was not observed in the African, Ashkenazi Jewish or Other populations. The c.9649-6dup variant is located in the 3' splice region but does not affect the invariant -1 and -2 positions. However, positions -3 and -5 to -12 are part of the splicing consensus sequence and variants involving these positions sometimes affect splicing. This variant results in the addition of one thymine base into a polyT tract, decreasing the likelihood that this variant has clinical significance. In addition, 4 out of 4 in silico or computational prediction software programs (SpliceSiteFinder, MaxEntScan, NNSPLICE, GeneSplicer) do not predict a difference in splicing. In summary, based on the above information the clinical significance of this variant cannot be determined with certainty at this time. This variant is classified as a variant of uncertain significance.

Literature cited by the submitters: PubMed 30702160 (cited by Women's Health and Genetics/Laboratory Corporation of America, LabCorp).